The following is an entry in ClinVar:

ClinVar aggregate classification (germline): Uncertain significance (1 of 4 stars; one submission).

Conditions:
Fanconi anemia (FA). Also called: Fanconi's anemia. Identifiers: Orphanet 84, MedGen C0015625, MeSH D005199, MONDO:0019391.

gnomAD v4.1: 3 of 1,600,310 alleles (0.00019%); highest among the groups gnomAD compares: Non-Finnish European, 0.00026%; no homozygotes.

Submissions (3):

Labcorp Genetics (formerly Invitae), Labcorp
Classification: Uncertain significance for Fanconi anemia. Last evaluated: 2022-11-17. Review status: criteria provided, single submitter. Criteria: Invitae Variant Classification Sherloc (09022015). Collection method: clinical testing. Allele origin: germline.
Comment: This variant has not been reported in the literature in individuals affected with FANCM-related conditions. This sequence change replaces alanine, which is neutral and non-polar, with serine, which is neutral and polar, at codon 254 of the FANCM protein (p.Ala254Ser). This variant is not present in population databases (gnomAD no frequency). Algorithms developed to predict the effect of missense changes on protein structure and function (SIFT, PolyPhen-2, Align-GVGD) all suggest that this variant is likely to be tolerated. Algorithms developed to predict the effect of sequence changes on RNA splicing suggest that this variant may create or strengthen a splice site. In summary, the available evidence is currently insufficient to determine the role of this variant in disease. Therefore, it has been classified as a Variant of Uncertain Significance.

Dr. Peter K. Rogan Lab, Western University
No classification provided (evidence only). Condition: Nonpapillary renal cell carcinoma. Review status: no classification provided. Collection method: in vitro. Allele origin: not applicable. Functional consequence: retained intron. Not counted in ClinVar's aggregate classification.

Dr. Peter K. Rogan Lab, Western University
No classification provided (evidence only). Condition: Germ cell tumor of testis. Review status: no classification provided. Collection method: in vitro. Allele origin: not applicable. Functional consequence: retained intron. Not counted in ClinVar's aggregate classification.

NM_020937.4(FANCM):c.760G>T (p.Ala254Ser)

Gene: FANCM (FA complementation group M; plus strand). Cytogenetic location: 14q21.2.
Variant type: single nucleotide variant.
Coding change: c.760G>T on transcript NM_020937.4 (MANE Select); coding-DNA position 760, G replaced by T.
Protein change: p.Ala254Ser; replaces alanine 254 with serine.
Molecular consequence: missense variant.
Genome position (GRCh38, 1-based): chr14:45,148,837, G>T. VCF-style: chr14-45148837-G-T. GRCh37 (hg19) VCF-style: chr14-45618040-G-T.
Other names: c.682G>T, p.Ala228Ser (NM_001308133.2); c.760G>T, p.Ala254Ser (NM_001308134.2); short protein forms A228S, A254S.
Identifiers: ClinVar variation 2787732 (VCV002787732.4), dbSNP rs141336758, ClinGen allele CA389589767.